The following is an entry in ClinVar:

NM_000337.6(SGCD):c.*4340_*4341dup

Gene: SGCD (sarcoglycan delta; plus strand). Cytogenetic location: 5q33.3.
Variant type: Duplication.
Coding change: c.*4340_*4341dup on transcript NM_000337.6 (MANE Select); 4340 bases downstream of the stop codon through 4341 bases downstream of the stop codon, 2 bases duplicated (AA; older notation c.*4340_*4341dupAA).
Molecular consequence: 3 prime UTR variant.
Genome position (GRCh38, 1-based): chr5:156,763,730-156,763,731, AA duplicated; duplicating any 2 consecutive bases within chr5:156,763,720-156,763,731 gives the same sequence; the c. name uses the placement nearest the transcript's 3' end. VCF-style (leftmost placement, unchanged base first): chr5-156763719-T-TAA. GRCh37 (hg19) VCF-style: chr5-156190730-T-TAA.
Other names: c.*4340_*4341dup (NM_001128209.2).
Identifiers: ClinVar variation 352388 (VCV000352388.29), dbSNP rs556887176, ClinGen allele CA10623862.

ClinVar aggregate classification (germline): Benign (1 of 4 stars; one submission).

Submission:

CeGaT Center for Human Genetics Tuebingen
Classification: Benign. Last evaluated: 2023-07-01. Review status: criteria provided, single submitter. Criteria: CeGaT Center For Human Genetics Tuebingen Variant Classification Criteria Version 2. Collection method: clinical testing. Allele origin: germline. Affected: yes. Observed: 6 variant alleles.
Comment: SGCD: BS1, BS2